The following is an entry in ClinVar:

NM_001191061.2(SLC25A22):c.*4C>G

Gene: SLC25A22 (solute carrier family 25 member 22; minus strand). Cytogenetic location: 11p15.5.
Variant type: single nucleotide variant.
Coding change: c.*4C>G on transcript NM_001191061.2 (MANE Select); 4 bases downstream of the stop codon, C replaced by G.
Molecular consequence: 3 prime UTR variant.
Genome position (GRCh38, 1-based): chr11:791,911, G>C on the plus strand (C>G on the coding strand, the complement: SLC25A22 is on the minus strand). VCF-style: chr11-791911-G-C. GRCh37 (hg19) VCF-style: chr11-791911-G-C.
Other names: c.*4C>G (NM_001191060.2, NM_024698.6).
Identifiers: ClinVar variation 590074 (VCV000590074.5), dbSNP rs1396699166, ClinGen allele CA597021624.

ClinVar aggregate classification (germline): Uncertain significance (1 of 4 stars; one submission).

Conditions:
Inborn genetic diseases. Identifiers: MedGen C0950123, MeSH D030342.

Allele frequency attached by ClinVar (database versions not stated): TOPMed 0.00002; gnomAD 0.00004.

Submission:

Ambry Genetics
Classification: Uncertain significance for Inborn genetic diseases. Last evaluated: 2017-02-20. Review status: criteria provided, single submitter. Criteria: Ambry Variant Classification Scheme 2023. Collection method: clinical testing. Allele origin: germline.
Comment: The c.*4C>G variant is located in the 3' untranslated region (3&rsquo; UTR) of the SLC25A22 gene. This variant results from a C to G substitution four nucleotides after the last translated codon. This nucleotide position is not well conserved in available vertebrate species. Since supporting evidence is limited at this time, the clinical significance of this alteration remains unclear.